The following is an entry in ClinVar:

NM_000900.5(MGP):c.56G>A (p.Cys19Tyr)

Gene: MGP (matrix Gla protein; minus strand). Cytogenetic location: 12p12.3.
Variant type: single nucleotide variant.
Coding change: c.56G>A on transcript NM_000900.5 (MANE Select); coding-DNA position 56, G replaced by A.
Protein change: p.Cys19Tyr; replaces cysteine 19 with tyrosine.
Molecular consequence: missense variant.
Genome position (GRCh38, 1-based): chr12:14,885,736, C>T on the plus strand (G>A on the coding strand, the complement: MGP is on the minus strand). VCF-style: chr12-14885736-C-T. GRCh37 (hg19) VCF-style: chr12-15038670-C-T.
Other names: c.56G>A, p.Cys19Tyr (NM_001190839.3); short protein forms C19Y.
Identifiers: ClinVar variation 432101 (VCV000432101.6), dbSNP rs1555094473, ClinGen allele CA384021233.

ClinVar aggregate classification (germline): Conflicting classifications of pathogenicity. Review status: criteria provided, conflicting classifications (1 of 4 stars). 2 submissions from 2 submitters: Likely pathogenic (1); Uncertain significance (1). Last evaluated 2026-02-11.

Submissions (2):

GeneDx
Classification: Uncertain significance. Last evaluated: 2026-02-11. Review status: criteria provided, single submitter. Criteria: GeneDx Variant Classification Process June 2021. Collection method: clinical testing. Allele origin: germline. Affected: yes.
Comment: Reported as de novo in a patient with short stature, short hands, rhizomelia, midface retrusion, and epiphyseal anomalies in published literature (PMID: 37923733); Not observed at significant frequency in large population cohorts (gnomAD); In silico analysis supports that this missense variant has a deleterious effect on protein structure/function; This variant is associated with the following publications: (PMID: 37923733)

Labcorp Genetics (formerly Invitae), Labcorp
Classification: Likely pathogenic. Last evaluated: 2023-11-17. Review status: criteria provided, single submitter. Criteria: Invitae Variant Classification Sherloc (09022015). Collection method: clinical testing. Allele origin: germline.
Comment: This sequence change replaces cysteine, which is neutral and slightly polar, with tyrosine, which is neutral and polar, at codon 19 of the MGP protein (p.Cys19Tyr). This variant is not present in population databases (gnomAD no frequency). This missense change has been observed in individual(s) with autosomal dominant MGP-related spondyloepiphyseal dysplasia (PMID: 37923733). In at least one individual the variant was observed to be de novo. ClinVar contains an entry for this variant (Variation ID: 432101). An algorithm developed to predict the effect of missense changes on protein structure and function (PolyPhen-2) suggests that this variant is likely to be disruptive. In summary, the currently available evidence indicates that the variant is pathogenic, but additional data are needed to prove that conclusively. Therefore, this variant has been classified as Likely Pathogenic.

Literature cited by the submitters: PubMed 37923733 (cited by Labcorp Genetics (formerly Invitae), Labcorp).